The following is an entry in ClinVar:

ClinVar aggregate classification (germline): Uncertain significance (1 of 4 stars; one submission).

Conditions:
Chédiak-Higashi syndrome (CHS). Also called: Chediak-Higashi Syndrome. Identifiers: Orphanet 167, MedGen C0007965, MONDO:0008963, OMIM 214500.

Allele frequency attached by ClinVar (database versions not stated): gnomAD exomes below 0.00001; TOPMed below 0.00001.
gnomAD v4.1: 1 of 1,614,056 alleles (0.000062%); highest among the groups gnomAD compares: Non-Finnish European, 0.000085%; no homozygotes.

Submission:

Labcorp Genetics (formerly Invitae), Labcorp
Classification: Uncertain significance for Chédiak-Higashi syndrome. Last evaluated: 2022-07-20. Review status: criteria provided, single submitter. Criteria: Invitae Variant Classification Sherloc (09022015). Collection method: clinical testing. Allele origin: germline.
Comment: This variant is not present in population databases (gnomAD no frequency). This sequence change replaces serine, which is neutral and polar, with arginine, which is basic and polar, at codon 872 of the LYST protein (p.Ser872Arg). This variant has not been reported in the literature in individuals affected with LYST-related conditions. In summary, the available evidence is currently insufficient to determine the role of this variant in disease. Therefore, it has been classified as a Variant of Uncertain Significance. Algorithms developed to predict the effect of missense changes on protein structure and function output the following: SIFT: "Tolerated"; PolyPhen-2: "Probably Damaging"; Align-GVGD: "Class C0". The arginine amino acid residue is found in multiple mammalian species, which suggests that this missense change does not adversely affect protein function.

NM_000081.4(LYST):c.2616C>A (p.Ser872Arg)

Gene: LYST (lysosomal trafficking regulator; minus strand). Cytogenetic location: 1q42.3.
Variant type: single nucleotide variant.
Coding change: c.2616C>A on transcript NM_000081.4 (MANE Select); coding-DNA position 2616, C replaced by A.
Protein change: p.Ser872Arg; replaces serine 872 with arginine.
Molecular consequence: missense variant.
Genome position (GRCh38, 1-based): chr1:235,806,520, G>T on the plus strand (C>A on the coding strand, the complement: LYST is on the minus strand). VCF-style: chr1-235806520-G-T. GRCh37 (hg19) VCF-style: chr1-235969820-G-T.
Other names: c.2616C>A, p.Ser872Arg (NM_001301365.1); short protein forms S872R.
Identifiers: ClinVar variation 1970229 (VCV001970229.5), dbSNP rs1448756705, ClinGen allele CA344956344.